The following is an entry in ClinVar:

ClinVar aggregate classification (germline): Conflicting classifications of pathogenicity. Review status: criteria provided, conflicting classifications (1 of 4 stars). 3 submissions from 3 submitters: Uncertain significance (2); Likely benign (1). Last evaluated 2025-04-14.

Conditions:
Aicardi-Goutieres syndrome 6 (AGS6). Identifiers: Orphanet 51, MedGen C3539013, MONDO:0014007, OMIM 615010.
Symmetrical dyschromatosis of extremities (DSH). Also called: Dyschromatosis symmetrica hereditaria; DYSCHROMATOSIS SYMMETRICA HEREDITARIA 1; RETICULATE ACROPIGMENTATION OF DOHI; SYMMETRIC DYSCHROMATOSIS OF THE EXTREMITIES. Identifiers: Orphanet 41, MedGen C0406775, MONDO:0007483, OMIM 127400.

Allele frequency attached by ClinVar (database versions not stated): ExAC 0.00002.
gnomAD v4.1: 10 of 1,614,058 alleles (0.00062%); highest among the groups gnomAD compares: Non-Finnish European, 0.00076%; no homozygotes.

Submissions (3):

Labcorp Genetics (formerly Invitae), Labcorp
Classification: Likely benign for Aicardi-Goutieres syndrome 6; Symmetrical dyschromatosis of extremities. Last evaluated: 2025-04-14. Review status: criteria provided, single submitter. Criteria: Invitae Variant Classification Sherloc (09022015). Collection method: clinical testing. Allele origin: germline.

Blueprint Genetics
Classification: Uncertain significance. Last evaluated: 2023-08-09. Review status: criteria provided, single submitter. Criteria: ACMG Guidelines, 2015. Collection method: clinical testing. Allele origin: germline.

CeGaT Center for Human Genetics Tuebingen
Classification: Uncertain significance. Last evaluated: 2023-08-01. Review status: criteria provided, single submitter. Criteria: CeGaT Center For Human Genetics Tuebingen Variant Classification Criteria Version 2. Collection method: clinical testing. Allele origin: germline. Affected: yes. Observed: 1 variant allele.
Comment: ADAR: PM2, BP4

NM_001111.5(ADAR):c.1630C>A (p.Arg544=)

Gene: ADAR (adenosine deaminase RNA specific; minus strand). Cytogenetic location: 1q21.3.
Variant type: single nucleotide variant.
Coding change: c.1630C>A on transcript NM_001111.5 (MANE Select); coding-DNA position 1630, C replaced by A.
Protein change: p.Arg544=; no amino-acid change (arginine 544 retained).
Molecular consequence: synonymous variant.
Genome position (GRCh38, 1-based): chr1:154,598,557, G>T on the plus strand (C>A on the coding strand, the complement: ADAR is on the minus strand). VCF-style: chr1-154598557-G-T. GRCh37 (hg19) VCF-style: chr1-154571033-G-T.
Other names: c.745C>A, p.Arg249= (NM_001025107.3, NM_001193495.2, NM_001365046.1 and 3 more transcripts); c.1657C>A, p.Arg553= (NM_001365045.1); c.1630C>A, p.Arg544= (NM_015840.4, NM_015841.4).
Identifiers: ClinVar variation 1497202 (VCV001497202.33), dbSNP rs768943773, ClinGen allele CA1131506.